The following is an entry in ClinVar:

NM_152384.3(BBS5):c.265C>T (p.Arg89Ter)

Gene: BBS5 (Bardet-Biedl syndrome 5; plus strand). Cytogenetic location: 2q31.1.
Variant type: single nucleotide variant.
Coding change: c.265C>T on transcript NM_152384.3 (MANE Select); coding-DNA position 265, C replaced by T.
Protein change: p.Arg89Ter; replaces arginine 89 with a stop codon.
Molecular consequence: nonsense.
Genome position (GRCh38, 1-based): chr2:169,487,993, C>T. VCF-style: chr2-169487993-C-T. GRCh37 (hg19) VCF-style: chr2-170344503-C-T.
Other names: short protein forms R89*.
Identifiers: ClinVar variation 531823 (VCV000531823.17), dbSNP rs772757329, ClinGen allele CA1956177.

ClinVar aggregate classification (germline): Pathogenic. Review status: criteria provided, multiple submitters, no conflicts (2 of 4 stars). 6 submissions from 6 submitters: Pathogenic (6). Last evaluated 2025-12-23.

Conditions:
Bardet-Biedl syndrome 5 (BBS5). Identifiers: Orphanet 110, MedGen C3892039, MONDO:0014434, OMIM 615983.
BBS5-related disorder. Also called: BBS5-related condition.
Bardet-Biedl syndrome (BBS). Identifiers: Orphanet 110, MedGen C0752166, MONDO:0015229.

Allele frequency attached by ClinVar (database versions not stated): gnomAD 0.00001; gnomAD exomes 0.00001; ExAC 0.00002.
gnomAD v4.1: 16 of 1,613,378 alleles (0.00099%); highest among the groups gnomAD compares: East Asian, 0.0022%; no homozygotes.

Submissions (6):

Labcorp Genetics (formerly Invitae), Labcorp
Classification: Pathogenic for Bardet-Biedl syndrome. Last evaluated: 2025-12-23. Review status: criteria provided, single submitter. Criteria: Invitae Variant Classification Sherloc (09022015). Collection method: clinical testing. Allele origin: germline.
Comment: This sequence change creates a premature translational stop signal (p.Arg89*) in the BBS5 gene. It is expected to result in an absent or disrupted protein product. Loss-of-function variants in BBS5 are known to be pathogenic (PMID: 15137946, 16877420, 26325687, 27708425, 28041643, 29806606). This variant is present in population databases (rs772757329, gnomAD 0.003%). This premature translational stop signal has been observed in individual(s) with Bardet-Biedl syndrome (PMID: 26325687). ClinVar contains an entry for this variant (Variation ID: 531823). Algorithms developed to predict the effect of sequence changes on RNA splicing suggest that this variant may disrupt the consensus splice site. For these reasons, this variant has been classified as Pathogenic.

Lab De Baere, Eye and Developmental Genetics Lab, Ghent University
Classification: Pathogenic for Bardet-Biedl syndrome. Last evaluated: 2024-10-01. Review status: criteria provided, single submitter. Criteria: ACMG Guidelines, 2015. Collection method: research. Allele origin: inherited. Affected: yes. Observed: 1 variant allele.
Comment: ACMG/AMP guidelines: PM2, PS4_PM, PVS1_PM, PP1, PM3_PS

Blueprint Genetics
Classification: Pathogenic for BBS5-related disorders. Last evaluated: 2024-09-26. Review status: criteria provided, single submitter. Criteria: ACMG Guidelines, 2015. Collection method: clinical testing. Allele origin: germline. Affected: yes. Observed: 5 variant alleles.

Women's Health and Genetics/Laboratory Corporation of America, LabCorp
Classification: Pathogenic for Bardet-Biedl syndrome. Last evaluated: 2023-02-14. Review status: criteria provided, single submitter. Criteria: LabCorp Variant Classification Summary - May 2015. Collection method: clinical testing. Allele origin: germline.
Comment: Variant summary: BBS5 c.265C>T (p.Arg89X) results in a premature termination codon, predicted to cause a truncation of the encoded protein or absence of the protein due to nonsense mediated decay, which are commonly known mechanisms for disease. Truncations downstream of this position have been associated with Bardet-Biedl Syndrome in HGMD. The variant allele was found at a frequency of 1.2e-05 in 250976 control chromosomes. c.265C>T has been reported in the literature in individuals affected with Bardet-Biedl Syndrome (Hirano_2015). These data indicate that the variant may be associated with disease. To our knowledge, no experimental evidence demonstrating an impact on protein function has been reported. Three ClinVar submitters have submitted clinical-significance assessments for this variant to ClinVar after 2014. All laboratories classified the variant as pathogenic (n=3). Based on the evidence outlined above, the variant was classified as pathogenic.

GeneDx
Classification: Pathogenic. Last evaluated: 2021-11-30. Review status: criteria provided, single submitter. Criteria: GeneDx Variant Classification Process June 2021. Collection method: clinical testing. Allele origin: germline. Affected: yes.
Comment: Nonsense variant predicted to result in protein truncation or nonsense mediated decay in a gene for which loss-of-function is a known mechanism of disease; Not observed at significant frequency in large population cohorts (Lek et al., 2016); This variant is associated with the following publications: (PMID: 26325687)

Johns Hopkins Genomics, Johns Hopkins University
Classification: Pathogenic for Bardet-Biedl syndrome 5. Last evaluated: 2020-01-18. Review status: criteria provided, single submitter. Criteria: ACMG Guidelines, 2015. Collection method: clinical testing. Allele origin: germline.

Literature cited by the submitters: PubMed 15137946 (cited by Labcorp Genetics (formerly Invitae), Labcorp); PubMed 16877420 (cited by Labcorp Genetics (formerly Invitae), Labcorp); PubMed 26325687 (cited by 3 submitters); PubMed 27708425 (cited by Labcorp Genetics (formerly Invitae), Labcorp); PubMed 28041643 (cited by Labcorp Genetics (formerly Invitae), Labcorp); PubMed 29806606 (cited by Labcorp Genetics (formerly Invitae), Labcorp); PubMed 32451492 (cited by Women's Health and Genetics/Laboratory Corporation of America, LabCorp).